The following is an entry in ClinVar:

NM_024580.6(EFL1):c.1962G>A (p.Thr654=)

Gene: EFL1 (elongation factor like GTPase 1; minus strand). Cytogenetic location: 15q25.2.
Variant type: single nucleotide variant.
Coding change: c.1962G>A on transcript NM_024580.6 (MANE Select); coding-DNA position 1962, G replaced by A.
Protein change: p.Thr654=; no amino-acid change (threonine 654 retained).
Molecular consequence: synonymous variant. On other transcripts: non-coding transcript variant (1).
Genome position (GRCh38, 1-based): chr15:82,157,781, C>T on the plus strand (G>A on the coding strand, the complement: EFL1 is on the minus strand). VCF-style: chr15-82157781-C-T. GRCh37 (hg19) VCF-style: chr15-82450122-C-T.
Other names: c.1809G>A, p.Thr603= (NM_001040610.3); c.1173G>A, p.Thr391= (NM_001322844.2); c.1962G>A, p.Thr654= (NM_001322845.2); c.1962G>A (NM_024580.5).
Identifiers: ClinVar variation 1601015 (VCV001601015.10), dbSNP rs369620042, ClinGen allele CA7697836.
Genomic context (GRCh38, chr15:82,157,781, plus strand): 5'-TAAGTCATCCAGGCATCGCTGAAGGTGGACTTCTCCTGCTGTGACTAAAACGTGCTCTCC[C>T]GTTTCCTGAATTAAAATCTGGACACAGGGATCAGCCTGGTTTAACAGTTTCATTCCTTTT-3'
Protein context (NP_078856.4, residues 644-664): DPCVQILIQE[Thr654=]GEHVLVTAGE

ClinVar aggregate classification (germline): Benign. Review status: criteria provided, single submitter (1 of 4 stars). 2 submissions from 2 submitters: Benign (1). 1 of the submissions does not count toward it. Last evaluated 2025-12-22.

Conditions:
EFL1-related disorder. Also called: EFL1-related condition.

Allele frequency attached by ClinVar (database versions not stated): gnomAD exomes 0.00003 and 0.00017; ESP Exome Variant Server 0.00008; gnomAD 0.00008 and 0.00009; ExAC 0.00010; TOPMed 0.00012.
gnomAD v4.1: 57 of 1,613,984 alleles (0.0035%); highest among the groups gnomAD compares: East Asian, 0.087%; no homozygotes.

Submissions (2):

Labcorp Genetics (formerly Invitae), Labcorp
Classification: Benign. Last evaluated: 2025-12-22. Review status: criteria provided, single submitter. Criteria: Invitae Variant Classification Sherloc (09022015). Collection method: clinical testing. Allele origin: germline.

PreventionGenetics, part of Exact Sciences
Classification: Likely benign for EFL1-related condition. Last evaluated: 2021-09-13. Review status: no assertion criteria provided. Collection method: clinical testing. Allele origin: germline. Not counted in ClinVar's aggregate classification.
Comment: This variant is classified as likely benign based on ACMG/AMP sequence variant interpretation guidelines (Richards et al. 2015 PMID: 25741868, with internal and published modifications).